The following is an entry in ClinVar:

NM_000393.5(COL5A2):c.4353+70A>G

Gene: COL5A2 (collagen type V alpha 2 chain; minus strand). Cytogenetic location: 2q32.2.
Variant type: single nucleotide variant.
Coding change: c.4353+70A>G on transcript NM_000393.5 (MANE Select); 70 bases into the intron after coding-DNA position 4353, A replaced by G.
Molecular consequence: intron variant.
Genome position (GRCh38, 1-based): chr2:189,034,846, T>C on the plus strand (A>G on the coding strand, the complement: COL5A2 is on the minus strand). VCF-style: chr2-189034846-T-C. GRCh37 (hg19) VCF-style: chr2-189899572-T-C.
Identifiers: ClinVar variation 670990 (VCV000670990.2), dbSNP rs7420715, ClinGen allele CA11297594.

ClinVar aggregate classification (germline): Benign. Review status: criteria provided, multiple submitters, no conflicts (2 of 4 stars). 2 submissions from 2 submitters: Benign (2). Last evaluated 2018-06-14.

Allele frequency attached by ClinVar (database versions not stated): 1000 Genomes Project 30x 0.84291; 1000 Genomes Project 0.84485; TOPMed 0.88627; gnomAD 0.89989 and 0.90261; gnomAD exomes 0.93645.
gnomAD v4.1: 1,484,240 of 1,591,696 alleles (93%); highest among the groups gnomAD compares: Non-Finnish European, 96%; 694,609 homozygotes.

Submissions (2):

GeneDx
Classification: Benign. Last evaluated: 2018-06-14. Review status: criteria provided, single submitter. Criteria: GeneDx Variant Classification (06012015). Collection method: clinical testing. Allele origin: germline. Affected: yes.
Comment: This variant is considered likely benign or benign based on one or more of the following criteria: it is a conservative change, it occurs at a poorly conserved position in the protein, it is predicted to be benign by multiple in silico algorithms, and/or has population frequency not consistent with disease.

Breakthrough Genomics
Classification: Benign. Review status: criteria provided, single submitter. Criteria: ACMG Guidelines, 2015. Collection method: not provided. Allele origin: germline. Inheritance: Autosomal dominant inheritance. Affected: yes.